The following is an entry in ClinVar:

ClinVar aggregate classification (germline): Uncertain significance (1 of 4 stars; one submission).

Conditions:
Inborn genetic diseases. Identifiers: MedGen C0950123, MeSH D030342.

Submission:

Ambry Genetics
Classification: Uncertain significance for Inborn genetic diseases. Last evaluated: 2026-03-29. Review status: criteria provided, single submitter. Criteria: Ambry Variant Classification Scheme 2023. Collection method: clinical testing. Allele origin: germline.
Comment: The p.G917E variant (also known as c.2750G>A), located in coding exon 11 of the MECOM gene, results from a G to A substitution at nucleotide position 2750. The glycine at codon 917 is replaced by glutamic acid, an amino acid with similar properties. This amino acid position is conserved. In addition, this alteration is predicted to be deleterious by in silico analysis. Based on the available evidence, the clinical significance of this variant remains unclear.

NM_004991.4(MECOM):c.2750G>A (p.Gly917Glu)

Gene: MECOM (MDS1 and EVI1 complex locus; minus strand). Cytogenetic location: 3q26.2.
Variant type: single nucleotide variant.
Coding change: c.2750G>A on transcript NM_004991.4 (MANE Select); coding-DNA position 2750, G replaced by A.
Protein change: p.Gly917Glu; replaces glycine 917 with glutamic acid.
Molecular consequence: missense variant.
Genome position (GRCh38, 1-based): chr3:169,102,081, C>T on the plus strand (G>A on the coding strand, the complement: MECOM is on the minus strand). VCF-style: chr3-169102081-C-T. GRCh37 (hg19) VCF-style: chr3-168819869-C-T.
Other names: c.2381G>A, p.Gly794Glu (NM_001105077.4); c.2186G>A, p.Gly729Glu (NM_001105078.4, NM_001205194.2, NM_001366469.2 and 1 more transcripts); c.2162G>A, p.Gly721Glu (NM_001163999.2, NM_001366470.2); c.2159G>A, p.Gly720Glu (NM_001164000.2, NM_001366471.2, NM_001366472.2); c.2723G>A, p.Gly908Glu (NM_001366466.2); c.2189G>A, p.Gly730Glu (NM_001366467.2, NM_001366468.2); c.1751G>A, p.Gly584Glu (NM_001366473.2); c.1187G>A, p.Gly396Glu (NM_001366474.2); short protein forms G584E, G721E, G730E, G396E, G720E, G794E, G908E, G917E.
Identifiers: ClinVar variation 2531207 (VCV002531207.3), dbSNP rs2549282254, ClinGen allele CA355078957.